The following is an entry in ClinVar:

NM_000406.2(GNRHR):c.-1570C>G

Gene: GNRHR (gonadotropin releasing hormone receptor; minus strand). Cytogenetic location: 4q13.2.
Variant type: single nucleotide variant.
Coding change: c.-1570C>G on transcript NM_000406.2; 1570 bases upstream of the start codon, C replaced by G.
Genome position (GRCh38, 1-based): chr4:67,755,905, G>C on the plus strand (C>G on the coding strand, the complement: GNRHR is on the minus strand). VCF-style: chr4-67755905-G-C. GRCh37 (hg19) VCF-style: chr4-68621623-G-C.
Identifiers: ClinVar variation 349485 (VCV000349485.10), dbSNP rs28643407, ClinGen allele CA10619112.
Genomic context (GRCh38, chr4:67,755,905, plus strand): 5'-TCTGACTCATCTAGGAGAATTACAAAAAAAAAATTGTGCCTACTATATTAGCTATAATAA[G>C]TTCCTTATAAGCAATCAGTCTTGAATAAGATAATTTATTTTTCTGAAGAACTCAAAAGGC-3'

ClinVar aggregate classification (germline): Benign/Likely benign. Review status: criteria provided, multiple submitters, no conflicts (2 of 4 stars). 2 submissions from 2 submitters: Benign (1); Likely benign (1). Last evaluated 2018-06-26.

Conditions:
Hypogonadotropic hypogonadism 7 with or without anosmia (HH7). Also called: HYPOGONADOTROPIC HYPOGONADISM 7 WITHOUT ANOSMIA; GNRHR-Related GnRH Deficiency. Identifiers: Orphanet 432, MedGen C0342384, MONDO:0007794, OMIM 146110.

Allele frequency attached by ClinVar (database versions not stated): gnomAD 0.08726 and 0.08518; TOPMed 0.09269; 1000 Genomes Project 0.06669; 1000 Genomes Project 30x 0.06918.

Submissions (2):

GeneDx
Classification: Benign. Last evaluated: 2018-06-26. Review status: criteria provided, single submitter. Criteria: GeneDx Variant Classification Process June 2021. Collection method: clinical testing. Allele origin: germline. Affected: yes.

Illumina Laboratory Services, Illumina
Classification: Likely benign for Hypogonadotropic hypogonadism 7 with or without anosmia. Last evaluated: 2018-01-12. Review status: criteria provided, single submitter. Criteria: ICSL Variant Classification Criteria 13 December 2019. Collection method: clinical testing. Allele origin: germline.
Comment: This variant was observed in the ICSL laboratory as part of a predisposition screen in an ostensibly healthy population. It had not been previously curated by ICSL or reported in the Human Gene Mutation Database (HGMD: prior to June 1st, 2018), and was therefore a candidate for classification through an automated scoring system. Utilizing variant allele frequency, disease prevalence and penetrance estimates, and inheritance mode, an automated score was calculated to assess if this variant is too frequent to cause the disease. Based on the score and internal cut-off values, a variant classified as likely benign is not then subjected to further curation. The score for this variant resulted in a classification of likely benign for this disease.